The following is an entry in ClinVar:

NC_000005.9:g.(?_178699892)_(178700085_?)dup

Gene: ADAMTS2 (ADAM metallopeptidase with thrombospondin type 1 motif 2; minus strand). Cytogenetic location: 5q35.3.
Variant type: Duplication.
Identifiers: ClinVar variation 3246372 (VCV003246372.1).

ClinVar aggregate classification (germline): Likely pathogenic (1 of 4 stars; one submission).

Conditions:
Ehlers-Danlos syndrome, dermatosparaxis type. Also called: Ehlers-Danlos syndrome, type VII, autosomal recessive; EDS VIIC; Dermatosparaxis. Identifiers: Orphanet 1901, MedGen C2700425, MONDO:0009161, OMIM 225410.

Submission:

Labcorp Genetics (formerly Invitae), Labcorp
Classification: Likely pathogenic for Ehlers-Danlos syndrome, dermatosparaxis type. Last evaluated: 2023-09-05. Review status: criteria provided, single submitter. Criteria: Invitae Variant Classification Sherloc (09022015). Collection method: clinical testing. Allele origin: unknown.
Comment: This variant results in a copy number gain of the genomic region encompassing exon(s) 3 of the ADAMTS2 gene. While the exact position of this variant cannot be determined from the data, sub-genic copy number gains are generally in tandem (PMID: 25640679). This variant is predicted to be out-of-frame, and may result in an absent or disrupted protein product. Loss-of-function variants in ADAMTS2 are known to be pathogenic (PMID: 10417273). This variant has not been reported in the literature in individuals affected with ADAMTS2-related conditions. In summary, the currently available evidence indicates that the variant is pathogenic, but additional data are needed to prove that conclusively. Therefore, this variant has been classified as Likely Pathogenic.

Literature cited by the submitters: PubMed 25640679; PubMed 10417273.